The following is an entry in ClinVar:

ClinVar aggregate classification (germline): Uncertain significance (1 of 4 stars; one submission).

Conditions:
Mucopolysaccharidosis type 1. Also called: IDUA deficiency; MPS I; Mucopolysaccharidosis Type I. Identifiers: Orphanet 579, MedGen C0023786, MONDO:0001586.

Allele frequency attached by ClinVar (database versions not stated): gnomAD exomes below 0.00001; gnomAD 0.00001; TOPMed 0.00001.
gnomAD v4.1: 2 of 1,613,064 alleles (0.00012%); highest among the groups gnomAD compares: South Asian, 0.0011%; no homozygotes.

Submission:

Labcorp Genetics (formerly Invitae), Labcorp
Classification: Uncertain significance for Mucopolysaccharidosis type 1. Last evaluated: 2025-08-18. Review status: criteria provided, single submitter. Criteria: Invitae Variant Classification Sherloc (09022015). Collection method: clinical testing. Allele origin: germline.
Comment: This sequence change replaces asparagine, which is neutral and polar, with serine, which is neutral and polar, at codon 190 of the IDUA protein (p.Asn190Ser). This variant is not present in population databases (gnomAD no frequency). This variant has not been reported in the literature in individuals affected with IDUA-related conditions. ClinVar contains an entry for this variant (Variation ID: 2166637). Invitae Evidence Modeling of protein sequence and biophysical properties (such as structural, functional, and spatial information, amino acid conservation, physicochemical variation, residue mobility, and thermodynamic stability) has been performed for this missense variant. However, the output from this modeling did not meet the statistical confidence thresholds required to predict the impact of this variant on IDUA protein function. In summary, the available evidence is currently insufficient to determine the role of this variant in disease. Therefore, it has been classified as a Variant of Uncertain Significance.

NM_000203.5(IDUA):c.569A>G (p.Asn190Ser)

Gene: IDUA (alpha-L-iduronidase; plus strand). Cytogenetic location: 4p16.3.
Variant type: single nucleotide variant.
Coding change: c.569A>G on transcript NM_000203.5 (MANE Select); coding-DNA position 569, A replaced by G.
Protein change: p.Asn190Ser; replaces asparagine 190 with serine.
Molecular consequence: missense variant. On other transcripts: non-coding transcript variant (1).
Genome position (GRCh38, 1-based): chr4:1,001,543, A>G. VCF-style: chr4-1001543-A-G. GRCh37 (hg19) VCF-style: chr4-995331-A-G.
Other names: c.173A>G, p.Asn58Ser (NM_001363576.1); short protein forms N190S, N58S.
Identifiers: ClinVar variation 2166637 (VCV002166637.2), dbSNP rs1039051028, ClinGen allele CA91167270.
Genomic context (GRCh38, chr4:1,001,543, plus strand): 5'-CGCATGTTTCCAAGTGGAACTTCGAGACGTGGAATGAGCCAGACCACCACGACTTTGACA[A>G]CGTCTCCATGACCATGCAAGGTGTGCACCGCTTCCTGGGGTCCTGCCCGGCTGAAAGGGG-3'
Protein context (NP_000194.2, residues 180-200): WNEPDHHDFD[Asn190Ser]VSMTMQGFLN